The following is an entry in ClinVar:

ClinVar aggregate classification (germline): Likely benign. Review status: criteria provided, multiple submitters, no conflicts (2 of 4 stars). 2 submissions from 2 submitters: Likely benign (2). Last evaluated 2024-11-27.

Conditions:
Primary ciliary dyskinesia. Also called: Ciliary dyskinesia. Identifiers: Orphanet 244, MedGen C0008780, MONDO:0016575, HP:0012265.

Allele frequency attached by ClinVar (database versions not stated): gnomAD 0.00001 and 0.00003; TOPMed 0.00001; ExAC 0.00003; gnomAD exomes 0.00003 and 0.00004.
gnomAD v4.1: 51 of 1,608,392 alleles (0.0032%); highest among the groups gnomAD compares: South Asian, 0.021%; no homozygotes.

Submissions (2):

Labcorp Genetics (formerly Invitae), Labcorp
Classification: Likely benign for Primary ciliary dyskinesia. Last evaluated: 2024-11-27. Review status: criteria provided, single submitter. Criteria: Invitae Variant Classification Sherloc (09022015). Collection method: clinical testing. Allele origin: germline.

CeGaT Center for Human Genetics Tuebingen
Classification: Likely benign. Last evaluated: 2023-07-01. Review status: criteria provided, single submitter. Criteria: CeGaT Center For Human Genetics Tuebingen Variant Classification Criteria Version 2. Collection method: clinical testing. Allele origin: germline. Affected: yes. Observed: 2 variant alleles.
Comment: DNAH11: BP4, BP7

NM_001277115.2(DNAH11):c.1995C>T (p.His665=)

Gene: DNAH11 (dynein axonemal heavy chain 11; plus strand). Cytogenetic location: 7p15.3.
Variant type: single nucleotide variant.
Coding change: c.1995C>T on transcript NM_001277115.2 (MANE Select); coding-DNA position 1995, C replaced by T.
Protein change: p.His665=; no amino-acid change (histidine 665 retained).
Molecular consequence: synonymous variant.
Genome position (GRCh38, 1-based): chr7:21,589,229, C>T. VCF-style: chr7-21589229-C-T. GRCh37 (hg19) VCF-style: chr7-21628847-C-T.
Identifiers: ClinVar variation 359607 (VCV000359607.41), dbSNP rs752831166, ClinGen allele CA4179195.
Genomic context (GRCh38, chr7:21,589,229, plus strand): 5'-ATATACGTATAAACCAGTAGAAAAACCTTATTCCTACAGATTTTTGGGCAATCCTGATCA[C>T]GCTTTAGTTTATCAAAAGTATGTTGAAATGACCACTTTGCTTGATCAATTTGAAAGTCGT-3'
Protein context (NP_001264044.1, residues 655-675): LRYLFLGNPD[His665=]ALVYQKYVEM